The following is an entry in ClinVar:

NM_000038.6(APC):c.1959-1031G>A

Gene: APC (APC regulator of WNT signaling pathway; plus strand). Cytogenetic location: 5q22.2.
Variant type: single nucleotide variant.
Coding change: c.1959-1031G>A on transcript NM_000038.6 (MANE Select); 1031 bases into the intron before coding-DNA position 1959, G replaced by A.
Molecular consequence: intron variant.
Genome position (GRCh38, 1-based): chr5:112,836,522, G>A. VCF-style: chr5-112836522-G-A. GRCh37 (hg19) VCF-style: chr5-112172219-G-A.
Other names: c.1959-1031G>A (NM_001354895.2, NM_001127510.3); c.1989-1031G>A (NM_001354897.2); c.1686-1031G>A (NM_001354902.2); c.1905-1031G>A (NM_001127511.3); c.1884-1031G>A (NM_001354898.2); c.1581-1031G>A (NM_001354904.2); c.1110-1031G>A (NM_001354906.2); c.2013-1031G>A (NM_001354896.2); and 5 more.
Identifiers: ClinVar variation 83226 (VCV000083226.2), dbSNP rs411356, ClinGen allele CA006775.
Genomic context (GRCh38, chr5:112,836,522, plus strand): 5'-ACGACCATGTTAAAGCTCATTATGTACCCTTGCCATTCAGTTTTAAAGCCCACTAAAGCT[G>A]AATATGCTGTCATTAATCTTCAGTTTGCCTGCGTTAAACAAGCTGTTGCTCTTTCATGTC-3'

ClinVar aggregate classification (germline): other (0 of 4 stars; one submission).

Conditions:
Familial colorectal cancer. Identifiers: MedGen CN280943, MONDO:0023113. Disease mechanism: loss of function.

Allele frequency attached by ClinVar (database versions not stated): gnomAD 0.60379 and 0.61305; TOPMed 0.62334; 1000 Genomes Project 30x 0.67208; 1000 Genomes Project 0.67752.
gnomAD v4.1: 93,140 of 151,856 alleles (61%); highest among the groups gnomAD compares: East Asian, 82%; 29,000 homozygotes.

Submission:

Systems Biology Platform Zhejiang California International NanoSystems Institute
Classification: other for Familial colorectal cancer. Review status: no assertion criteria provided. Collection method: not provided. Allele origin: unknown.
ClinVar note: Converted during submission from cancer to other.